The following is an entry in ClinVar:

NM_020699.4(GATAD2B):c.415A>G (p.Ser139Gly)

Gene: GATAD2B (GATA zinc finger domain containing 2B; minus strand). Cytogenetic location: 1q21.3.
Variant type: single nucleotide variant.
Coding change: c.415A>G on transcript NM_020699.4 (MANE Select); coding-DNA position 415, A replaced by G.
Protein change: p.Ser139Gly; replaces serine 139 with glycine.
Molecular consequence: missense variant.
Genome position (GRCh38, 1-based): chr1:153,819,656, T>C on the plus strand (A>G on the coding strand, the complement: GATAD2B is on the minus strand). VCF-style: chr1-153819656-T-C. GRCh37 (hg19) VCF-style: chr1-153792132-T-C.
Other names: short protein forms S139G.
Identifiers: ClinVar variation 731581 (VCV000731581.29), dbSNP rs150914014, ClinGen allele CA1120869.

ClinVar aggregate classification (germline): Benign/Likely benign. Review status: criteria provided, multiple submitters, no conflicts (2 of 4 stars). 10 submissions from 10 submitters: Benign (2); Likely benign (7). 1 of the submissions does not count toward it. Last evaluated 2026-02-02.

Conditions:
Inborn genetic diseases. Identifiers: MedGen C0950123, MeSH D030342.
Severe intellectual disability-poor language-strabismus-grimacing face-long fingers syndrome (GAND). Also called: GAND SYNDROME. Identifiers: Orphanet 363686, MedGen C3554448, MONDO:0014034, OMIM 615074.
GATAD2B-related disorder. Also called: GATAD2B-related condition.

Allele frequency attached by ClinVar (database versions not stated): 1000 Genomes Project 30x 0.00031; gnomAD exomes 0.00031 and 0.00048; ESP Exome Variant Server 0.00038; 1000 Genomes Project 0.00040; ExAC 0.00043; gnomAD 0.00045 and 0.00046; TOPMed 0.00066.
gnomAD v4.1: 546 of 1,611,488 alleles (0.034%); highest among the groups gnomAD compares: Middle Eastern, 0.26%; no homozygotes.

Submissions (10):

Labcorp Genetics (formerly Invitae), Labcorp
Classification: Likely benign. Last evaluated: 2026-02-02. Review status: criteria provided, single submitter. Criteria: Invitae Variant Classification Sherloc (09022015). Collection method: clinical testing. Allele origin: germline.

CeGaT Center for Human Genetics Tuebingen
Classification: Benign. Last evaluated: 2026-02-01. Review status: criteria provided, single submitter. Criteria: CeGaT Center For Human Genetics Tuebingen Variant Classification Criteria Version 2. Collection method: clinical testing. Allele origin: germline. Affected: yes. Observed: 3 variant alleles.
Comment: GATAD2B: BS1, BS2

Genomic Medicine Center of Excellence, King Faisal Specialist Hospital and Research Centre
Classification: Likely benign. Last evaluated: 2025-08-18. Review status: criteria provided, single submitter. Criteria: ACMG Guidelines, 2015. Collection method: clinical testing. Allele origin: germline.

Blueprint Genetics
Classification: Likely benign. Last evaluated: 2024-08-30. Review status: criteria provided, single submitter. Criteria: ACMG Guidelines, 2015. Collection method: clinical testing. Allele origin: germline.

Genome-Nilou Lab
Classification: Likely benign for Severe intellectual disability-poor language-strabismus-grimacing face-long fingers syndrome. Last evaluated: 2023-04-11. Review status: criteria provided, single submitter. Criteria: ACMG Guidelines, 2015. Collection method: clinical testing. Allele origin: germline. Affected: no.

Ambry Genetics
Classification: Likely benign for Inborn genetic diseases. Last evaluated: 2021-07-19. Review status: criteria provided, single submitter. Criteria: Ambry Variant Classification Scheme 2023. Collection method: clinical testing. Allele origin: germline.

GeneDx
Classification: Benign. Last evaluated: 2019-08-23. Review status: criteria provided, single submitter. Criteria: GeneDx Variant Classification Process June 2021. Collection method: clinical testing. Allele origin: germline. Affected: yes.

Genetic Services Laboratory, University of Chicago
Classification: Likely benign. Last evaluated: 2019-05-20. Review status: criteria provided, single submitter. Criteria: ACMG Guidelines, 2015. Collection method: clinical testing. Allele origin: germline. Affected: no.

Breakthrough Genomics
Classification: Likely benign. Review status: criteria provided, single submitter. Criteria: ACMG Guidelines, 2015. Collection method: not provided. Allele origin: germline. Inheritance: Autosomal dominant inheritance. Affected: yes.

PreventionGenetics, part of Exact Sciences
Classification: Likely benign for GATAD2B-related condition. Last evaluated: 2022-05-04. Review status: no assertion criteria provided. Collection method: clinical testing. Allele origin: germline. Not counted in ClinVar's aggregate classification.
Comment: This variant is classified as likely benign based on ACMG/AMP sequence variant interpretation guidelines (Richards et al. 2015 PMID: 25741868, with internal and published modifications).